The following is an entry in ClinVar:

ClinVar aggregate classification (germline): Uncertain significance (1 of 4 stars; one submission).

Conditions:
Haddad syndrome (OHD). Also called: Ondine-Hirschsprung disease. Identifiers: Orphanet 99803, MedGen C1859049, MONDO:0020493.

Allele frequency attached by ClinVar (database versions not stated): gnomAD exomes below 0.00001.

Submission:

Labcorp Genetics (formerly Invitae), Labcorp
Classification: Uncertain significance for Haddad syndrome. Last evaluated: 2023-07-31. Review status: criteria provided, single submitter. Criteria: Invitae Variant Classification Sherloc (09022015). Collection method: clinical testing. Allele origin: germline.
Comment: In summary, the available evidence is currently insufficient to determine the role of this variant in disease. Therefore, it has been classified as a Variant of Uncertain Significance. Advanced modeling of protein sequence and biophysical properties (such as structural, functional, and spatial information, amino acid conservation, physicochemical variation, residue mobility, and thermodynamic stability) performed at Invitae indicates that this missense variant is not expected to disrupt PHOX2B protein function. This variant has not been reported in the literature in individuals affected with PHOX2B-related conditions. This variant is not present in population databases (gnomAD no frequency). This sequence change replaces glycine, which is neutral and non-polar, with aspartic acid, which is acidic and polar, at codon 170 of the PHOX2B protein (p.Gly170Asp).

NM_003924.4(PHOX2B):c.509G>A (p.Gly170Asp)

Gene: PHOX2B (paired like homeobox 2B; minus strand). Cytogenetic location: 4p13.
Variant type: single nucleotide variant.
Coding change: c.509G>A on transcript NM_003924.4 (MANE Select); coding-DNA position 509, G replaced by A.
Protein change: p.Gly170Asp; replaces glycine 170 with aspartic acid.
Molecular consequence: missense variant.
Genome position (GRCh38, 1-based): chr4:41,746,243, C>T on the plus strand (G>A on the coding strand, the complement: PHOX2B is on the minus strand). VCF-style: chr4-41746243-C-T. GRCh37 (hg19) VCF-style: chr4-41748260-C-T.
Other names: short protein forms G170D.
Identifiers: ClinVar variation 2857550 (VCV002857550.3), dbSNP rs2552096891, ClinGen allele CA356738436.